The following is an entry in ClinVar:

NM_000283.4(PDE6B):c.1441G>T (p.Asp481Tyr)

Gene: PDE6B (phosphodiesterase 6B; plus strand). Cytogenetic location: 4p16.3.
Variant type: single nucleotide variant.
Coding change: c.1441G>T on transcript NM_000283.4 (MANE Select); coding-DNA position 1441, G replaced by T.
Protein change: p.Asp481Tyr; replaces aspartic acid 481 with tyrosine.
Molecular consequence: missense variant.
Genome position (GRCh38, 1-based): chr4:658,991, G>T. VCF-style: chr4-658991-G-T. GRCh37 (hg19) VCF-style: chr4-652780-G-T.
Other names: c.1441G>T, p.Asp481Tyr (NM_001145291.2); c.604G>T, p.Asp202Tyr (NM_001145292.2, NM_001350154.3, NM_001379246.1 and 1 more transcripts); c.286G>T, p.Asp96Tyr (NM_001350155.3); short protein forms D96Y, D202Y, D481Y.
Identifiers: ClinVar variation 2087060 (VCV002087060.4), dbSNP rs200018423, ClinGen allele CA355915380.

ClinVar aggregate classification (germline): Uncertain significance (1 of 4 stars; one submission).

Submission:

Labcorp Genetics (formerly Invitae), Labcorp
Classification: Uncertain significance. Last evaluated: 2022-03-14. Review status: criteria provided, single submitter. Criteria: Invitae Variant Classification Sherloc (09022015). Collection method: clinical testing. Allele origin: germline.
Comment: This sequence change replaces aspartic acid, which is acidic and polar, with tyrosine, which is neutral and polar, at codon 481 of the PDE6B protein (p.Asp481Tyr). This variant is not present in population databases (gnomAD no frequency). This variant has not been reported in the literature in individuals affected with PDE6B-related conditions. Algorithms developed to predict the effect of missense changes on protein structure and function are either unavailable or do not agree on the potential impact of this missense change (SIFT: "Deleterious"; PolyPhen-2: "Possibly Damaging"; Align-GVGD: "Class C15"). In summary, the available evidence is currently insufficient to determine the role of this variant in disease. Therefore, it has been classified as a Variant of Uncertain Significance.